The following is an entry in ClinVar:

NM_001077653.2(TBX20):c.850A>G (p.Lys284Glu)

Gene: TBX20 (T-box transcription factor 20; minus strand). Cytogenetic location: 7p14.2.
Variant type: single nucleotide variant.
Coding change: c.850A>G on transcript NM_001077653.2 (MANE Select); coding-DNA position 850, A replaced by G.
Protein change: p.Lys284Glu; replaces lysine 284 with glutamic acid.
Molecular consequence: missense variant.
Genome position (GRCh38, 1-based): chr7:35,231,544, T>C on the plus strand (A>G on the coding strand, the complement: TBX20 is on the minus strand). VCF-style: chr7-35231544-T-C. GRCh37 (hg19) VCF-style: chr7-35271156-T-C.
Other names: c.850A>G, p.Lys284Glu (NM_001166220.1); short protein forms K284E.
Identifiers: ClinVar variation 2450716 (VCV002450716.2), dbSNP rs2546989826, ClinGen allele CA367263780.

ClinVar aggregate classification (germline): Uncertain significance (1 of 4 stars; one submission).

Conditions:
Cardiovascular phenotype. Identifiers: MedGen CN230736.

Submission:

Ambry Genetics
Classification: Uncertain significance for Cardiovascular phenotype. Last evaluated: 2023-02-23. Review status: criteria provided, single submitter. Criteria: Ambry Variant Classification Scheme 2023. Collection method: clinical testing. Allele origin: germline.
Comment: The p.K284E variant (also known as c.850A>G), located in coding exon 6 of the TBX20 gene, results from an A to G substitution at nucleotide position 850. The lysine at codon 284 is replaced by glutamic acid, an amino acid with similar properties. This amino acid position is conserved. In addition, this alteration is predicted to be deleterious by in silico analysis. Since supporting evidence is limited at this time, the clinical significance of this alteration remains unclear.